The following is an entry in ClinVar:

ClinVar aggregate classification (germline): Conflicting classifications of pathogenicity. Review status: criteria provided, conflicting classifications (1 of 4 stars). 3 submissions from 3 submitters: Uncertain significance (1); Likely benign (2). Last evaluated 2025-11-19.

Conditions:
Inborn genetic diseases. Identifiers: MedGen C0950123, MeSH D030342.

Allele frequency attached by ClinVar (database versions not stated): TOPMed 0.00002; ExAC 0.00003; gnomAD 0.00001; gnomAD exomes 0.00001.
gnomAD v4.1: 15 of 1,608,412 alleles (0.00093%); highest among the groups gnomAD compares: Admixed American, 0.023%; no homozygotes.

Submissions (3):

Women's Health and Genetics/Laboratory Corporation of America, LabCorp
Classification: Uncertain significance. Last evaluated: 2025-11-19. Review status: criteria provided, single submitter. Criteria: LabCorp Variant Classification Summary - May 2015. Collection method: clinical testing. Allele origin: germline.
Comment: Variant summary: HIVEP2 c.7313C>T (p.Pro2438Leu) results in a non-conservative amino acid change in the encoded protein sequence. Algorithms developed to predict the effect of missense changes on protein structure and function are either unavailable or do not agree on the potential impact of this missense change. The variant allele was found at a frequency of 3.6e-05 in 249400 control chromosomes. The available data on variant occurrences in the general population are insufficient to allow any conclusion about variant significance. To our knowledge, no occurrence of c.7313C>T in individuals affected with HIVEP2-related conditions and no experimental evidence demonstrating its impact on protein function have been reported. ClinVar contains an entry for this variant (Variation ID: 2063544). Based on the evidence outlined above, the variant was classified as uncertain significance.

Ambry Genetics
Classification: Likely benign for Inborn genetic diseases. Last evaluated: 2025-05-19. Review status: criteria provided, single submitter. Criteria: Ambry Variant Classification Scheme 2023. Collection method: clinical testing. Allele origin: germline.

Labcorp Genetics (formerly Invitae), Labcorp
Classification: Likely benign. Last evaluated: 2024-07-26. Review status: criteria provided, single submitter. Criteria: Invitae Variant Classification Sherloc (09022015). Collection method: clinical testing. Allele origin: germline.

NM_006734.4(HIVEP2):c.7313C>T (p.Pro2438Leu)

Gene: HIVEP2 (HIVEP zinc finger 2; minus strand). Cytogenetic location: 6q24.2.
Variant type: single nucleotide variant.
Coding change: c.7313C>T on transcript NM_006734.4 (MANE Select); coding-DNA position 7313, C replaced by T.
Protein change: p.Pro2438Leu; replaces proline 2438 with leucine.
Molecular consequence: missense variant.
Genome position (GRCh38, 1-based): chr6:142,753,135, G>A on the plus strand (C>T on the coding strand, the complement: HIVEP2 is on the minus strand). VCF-style: chr6-142753135-G-A. GRCh37 (hg19) VCF-style: chr6-143074272-G-A.
Other names: c.7313C>T (NM_006734.3); short protein forms P2438L.
Identifiers: ClinVar variation 2063544 (VCV002063544.6), dbSNP rs753602520, ClinGen allele CA4027542.